The following is an entry in ClinVar:

NM_004380.3(CREBBP):c.1202G>A (p.Gly401Glu)

Gene: CREBBP (CREB binding protein; minus strand). Cytogenetic location: 16p13.3.
Variant type: single nucleotide variant.
Coding change: c.1202G>A on transcript NM_004380.3 (MANE Select); coding-DNA position 1202, G replaced by A.
Protein change: p.Gly401Glu; replaces glycine 401 with glutamic acid.
Molecular consequence: missense variant.
Genome position (GRCh38, 1-based): chr16:3,793,400, C>T on the plus strand (G>A on the coding strand, the complement: CREBBP is on the minus strand). VCF-style: chr16-3793400-C-T. GRCh37 (hg19) VCF-style: chr16-3843401-C-T.
Other names: c.1202G>A, p.Gly401Glu (NM_001079846.1); short protein forms G401E.
Identifiers: ClinVar variation 1313620 (VCV001313620.2), dbSNP rs2141285184, ClinGen allele CA394562187.
Genomic context (GRCh38, chr16:3,793,400, plus strand): 5'-ATTCTTCCTGACCTCTACCACTAGGAGTTCCAAAAACAGCACTTACCTTGGCAGGCTTTC[C>T]CAGCCTGACAATGCGTCATGTGATTCAAAACGTTTTTCATGGTTCGACAATGCGGGAGCG-3'
Protein context (NP_004371.2, residues 391-411): VLNHMTHCQA[Gly401Glu]KACQVAHCAS

ClinVar aggregate classification (germline): Uncertain significance (1 of 4 stars; one submission).

Submission:

GeneDx
Classification: Uncertain significance. Last evaluated: 2020-10-26. Review status: criteria provided, single submitter. Criteria: GeneDx Variant Classification Process June 2021. Collection method: clinical testing. Allele origin: germline. Affected: yes.
Comment: Not observed in large population cohorts (Lek et al., 2016); In silico analysis supports that this missense variant has a deleterious effect on protein structure/function; Has not been previously published as pathogenic or benign to our knowledge